The following is an entry in ClinVar:

NM_000535.7(PMS2):c.1770_1773delinsATTG (p.Cys591Leu)

Gene: PMS2 (PMS1 homolog 2, mismatch repair system component; minus strand). Cytogenetic location: 7p22.1.
Variant type: Indel.
Coding change: c.1770_1773delinsATTG on transcript NM_000535.7 (MANE Select); coding-DNA positions 1770 to 1773, TTGT replaced by ATTG.
Protein change: p.Cys591Leu; replaces cysteine 591 with leucine.
Molecular consequence: missense variant. On other transcripts: non-coding transcript variant (1), intron variant (1).
Genome position (GRCh38, 1-based): chr7:5,986,992-5,986,995, ACAA replaced by CAAT on the plus strand (TTGT replaced by ATTG on the coding strand, the reverse complement: PMS2 is on the minus strand). VCF-style: chr7-5986992-ACAA-CAAT. GRCh37 (hg19) VCF-style: chr7-6026623-ACAA-CAAT.
Other names: c.1257_1260delinsATTG, p.Cys420Leu (NM_001406904.1, NM_001406905.1); c.1209_1212delinsATTG, p.Cys404Leu (NM_001406906.1, NM_001406907.1, NM_001322010.2); c.1365_1368delinsATTG, p.Cys456Leu (NM_001406908.1, NM_001406910.1, NM_001322003.2 and 16 more transcripts); c.1197_1200delinsATTG, p.Cys400Leu (NM_001406909.1, NM_001322013.2); c.999_1002delinsATTG, p.Cys334Leu (NM_001406911.1); c.804-4004_804-4001delinsATTG (NM_001406912.1); c.1614_1617delinsATTG, p.Cys539Leu (NM_001322006.2, NM_001406870.1); c.1452_1455delinsATTG, p.Cys485Leu (NM_001322007.2, NM_001322008.2, NM_001406876.1 and 2 more transcripts); and 13 more; short protein forms C280L, C334L, C420L, C436L, C469L, C485L, C535L, C555L.
Identifiers: ClinVar variation 3935146 (VCV003935146.1).

ClinVar aggregate classification (germline): Uncertain significance (1 of 4 stars; one submission).

Conditions:
Hereditary cancer-predisposing syndrome. Also called: Tumor predisposition; Hereditary neoplastic syndrome; Hereditary Cancer Syndrome; Neoplastic Syndromes, Hereditary. Identifiers: Orphanet 140162, MedGen C0027672, MeSH D009386, MONDO:0015356.

Submission:

Ambry Genetics
Classification: Uncertain significance for Hereditary cancer-predisposing syndrome. Last evaluated: 2025-06-09. Review status: criteria provided, single submitter. Criteria: Ambry Variant Classification Scheme 2023. Collection method: clinical testing. Allele origin: germline.
Comment: The c.1770_1773delTTGTinsATTG variant (also known as p.C591L), located in coding exon 11 of the PMS2 gene, results from an in-frame deletion of TTGT and insertion of ATTG at nucleotide positions 1770 to 1773. This results in the substitution of the cysteine residue for a leucine residue at codon 591, an amino acid with highly dissimilar properties. This amino acid position is poorly conserved in available vertebrate species. In addition, this variant is predicted to be neutral by in silico analysis (Choi Y et al. PLoS ONE. 2012; 7(10):e46688). Based on the available evidence, the clinical significance of this variant remains unclear.